The following is an entry in ClinVar:

ClinVar aggregate classification (germline): Uncertain significance. Review status: criteria provided, multiple submitters, no conflicts (2 of 4 stars). 2 submissions from 2 submitters: Uncertain significance (2). Last evaluated 2023-04-01.

Allele frequency attached by ClinVar (database versions not stated): gnomAD exomes below 0.00001.
gnomAD v4.1: 1 of 1,606,812 alleles (0.000062%); highest among the groups gnomAD compares: African/African-American, 0.0013%; no homozygotes.

Submissions (2):

Labcorp Genetics (formerly Invitae), Labcorp
Classification: Uncertain significance. Last evaluated: 2023-04-01. Review status: criteria provided, single submitter. Criteria: Invitae Variant Classification Sherloc (09022015). Collection method: clinical testing. Allele origin: germline.
Comment: Advanced modeling of protein sequence and biophysical properties (such as structural, functional, and spatial information, amino acid conservation, physicochemical variation, residue mobility, and thermodynamic stability) has been performed at Invitae for this missense variant, however the output from this modeling did not meet the statistical confidence thresholds required to predict the impact of this variant on AUTS2 protein function. In summary, the available evidence is currently insufficient to determine the role of this variant in disease. Therefore, it has been classified as a Variant of Uncertain Significance. ClinVar contains an entry for this variant (Variation ID: 1803611). This sequence change replaces glycine, which is neutral and non-polar, with arginine, which is basic and polar, at codon 1206 of the AUTS2 protein (p.Gly1206Arg). This variant is not present in population databases (gnomAD no frequency). This variant has not been reported in the literature in individuals affected with AUTS2-related conditions.

GeneDx
Classification: Uncertain significance. Last evaluated: 2022-06-11. Review status: criteria provided, single submitter. Criteria: GeneDx Variant Classification Process June 2021. Collection method: clinical testing. Allele origin: germline. Affected: yes.
Comment: Not observed at significant frequency in large population cohorts (gnomAD); In silico analysis supports that this missense variant has a deleterious effect on protein structure/function; Has not been previously published as pathogenic or benign to our knowledge

NM_015570.4(AUTS2):c.3616G>A (p.Gly1206Arg)

Gene: AUTS2 (activator of transcription and developmental regulator AUTS2; plus strand). Cytogenetic location: 7q11.22.
Variant type: single nucleotide variant.
Coding change: c.3616G>A on transcript NM_015570.4 (MANE Select); coding-DNA position 3616, G replaced by A.
Protein change: p.Gly1206Arg; replaces glycine 1206 with arginine.
Molecular consequence: missense variant.
Genome position (GRCh38, 1-based): chr7:70,790,832, G>A. VCF-style: chr7-70790832-G-A. GRCh37 (hg19) VCF-style: chr7-70255818-G-A.
Other names: c.3544G>A, p.Gly1182Arg (NM_001127231.3); short protein forms G1182R, G1206R.
Identifiers: ClinVar variation 1803611 (VCV001803611.4), dbSNP rs140485978, ClinGen allele CA367666573.
Genomic context (GRCh38, chr7:70,790,832, plus strand): 5'-ACCCCGGGACTCCCCAGCATGCACTATCCCCGCATCAGCCCCACCGCGGGCAACCAGAAC[G>A]GACTCCTCAACAAGACCCCTCCGACAGCAGCGCTGAGCGCACCTCCCCCGCTCATCTCCA-3'
Protein context (NP_056385.1, residues 1196-1216): RISPTAGNQN[Gly1206Arg]LLNKTPPTAA